The following is an entry in ClinVar:

ClinVar aggregate classification (germline): Uncertain significance (1 of 4 stars; one submission).

Conditions:
Familial Mediterranean fever (FMF). Also called: POLYSEROSITIS, FAMILIAL PAROXYSMAL; POLYSEROSITIS, RECURRENT; Periodic peritonitis; Benign paroxysmal peritonitis. Identifiers: Orphanet 342, MedGen C0031069, MONDO:0018088, OMIM 249100. Disease mechanism: gain of function.

Submission:

Labcorp Genetics (formerly Invitae), Labcorp
Classification: Uncertain significance for Familial Mediterranean fever. Last evaluated: 2018-08-07. Review status: criteria provided, single submitter. Criteria: Invitae Variant Classification Sherloc (09022015). Collection method: clinical testing. Allele origin: germline.
Comment: Algorithms developed to predict the effect of missense changes on protein structure and function output the following: SIFT: "Tolerated"; PolyPhen-2: "Benign"; Align-GVGD: "Class C0". The valine amino acid residue is found in multiple mammalian species, suggesting that this missense change does not adversely affect protein function. These predictions have not been confirmed by published functional studies and their clinical significance is uncertain. This variant has not been reported in the literature in individuals with MEFV-related disease. This variant is not present in population databases (ExAC no frequency). This sequence change replaces isoleucine with valine at codon 692 of the MEFV protein (p.Ile692Val). The isoleucine residue is weakly conserved and there is a small physicochemical difference between isoleucine and valine. In summary, the available evidence is currently insufficient to determine the role of this variant in disease. Therefore, it has been classified as a Variant of Uncertain Significance.

NM_000243.3(MEFV):c.2074_2076delinsGTG (p.Ile692Val)

Genes: MEFV (MEFV innate immunity regulator, pyrin; minus strand), LOC126862264 (CDK7 strongly-dependent group 2 enhancer GRCh37_chr16:3293322-3294521; plus strand). Cytogenetic location: 16p13.3.
Variant type: Indel.
Coding change: c.2074_2076delinsGTG on transcript NM_000243.3 (MANE Select); coding-DNA positions 2074 to 2076, ATA replaced by GTG.
Protein change: p.Ile692Val; replaces isoleucine 692 with valine.
Molecular consequence: missense variant. On other transcripts: 3 prime UTR variant (1).
Genome position (GRCh38, 1-based): chr16:3,243,411-3,243,413, TAT replaced by CAC on the plus strand (ATA replaced by GTG on the coding strand, the reverse complement: MEFV is on the minus strand). VCF-style: chr16-3243411-TAT-CAC. GRCh37 (hg19) VCF-style: chr16-3293411-TAT-CAC.
Other names: c.*278_*280delinsGTG (NM_001198536.2); short protein forms I692V.
Identifiers: ClinVar variation 643549 (VCV000643549.6), dbSNP rs1596350035, ClinGen allele CA915949043.